The following is an entry in ClinVar:

NM_001370466.1(NOD2):c.2336G>T (p.Gly779Val)

Gene: NOD2 (nucleotide binding oligomerization domain containing 2; plus strand). Cytogenetic location: 16q12.1.
Variant type: single nucleotide variant.
Coding change: c.2336G>T on transcript NM_001370466.1 (MANE Select); coding-DNA position 2336, G replaced by T.
Protein change: p.Gly779Val; replaces glycine 779 with valine.
Molecular consequence: missense variant. On other transcripts: non-coding transcript variant (1).
Genome position (GRCh38, 1-based): chr16:50,712,328, G>T. VCF-style: chr16-50712328-G-T. GRCh37 (hg19) VCF-style: chr16-50746239-G-T.
Other names: c.2336G>T, p.Gly779Val (NM_001293557.2); c.2417G>T, p.Gly806Val (NM_022162.3); short protein forms G779V, G806V.
Identifiers: ClinVar variation 1411888 (VCV001411888.6), dbSNP rs2150814954, ClinGen allele CA395872214.

ClinVar aggregate classification (germline): Uncertain significance (1 of 4 stars; one submission).

Conditions:
Regional enteritis. Also called: Enteritis, Granulomatous. Identifiers: MedGen C0678202, MeSH D003424.
Blau syndrome (BLAUS). Also called: ARTHROCUTANEOUVEAL GRANULOMATOSIS; GRANULOMATOSIS, FAMILIAL JUVENILE SYSTEMIC; GRANULOMATOSIS, FAMILIAL, BLAU TYPE; GRANULOMATOUS INFLAMMATORY ARTHRITIS, DERMATITIS, AND UVEITIS, FAMILIAL; JABS SYNDROME. Identifiers: Orphanet 90340, MedGen C5201146, MONDO:0008523, OMIM 186580.

Submission:

Labcorp Genetics (formerly Invitae), Labcorp
Classification: Uncertain significance for Regional enteritis; Blau syndrome. Last evaluated: 2023-10-13. Review status: criteria provided, single submitter. Criteria: Invitae Variant Classification Sherloc (09022015). Collection method: clinical testing. Allele origin: germline.
Comment: This sequence change replaces glycine, which is neutral and non-polar, with valine, which is neutral and non-polar, at codon 806 of the NOD2 protein (p.Gly806Val). This variant is not present in population databases (gnomAD no frequency). This variant has not been reported in the literature in individuals affected with NOD2-related conditions. ClinVar contains an entry for this variant (Variation ID: 1411888). Advanced modeling of protein sequence and biophysical properties (such as structural, functional, and spatial information, amino acid conservation, physicochemical variation, residue mobility, and thermodynamic stability) performed at Invitae indicates that this missense variant is expected to disrupt NOD2 protein function. In summary, the available evidence is currently insufficient to determine the role of this variant in disease. Therefore, it has been classified as a Variant of Uncertain Significance.